The following is an entry in ClinVar:

ClinVar aggregate classification (germline): Uncertain significance (1 of 4 stars; one submission).

Conditions:
Baller-Gerold syndrome (BGS). Also called: CRANIOSYNOSTOSIS WITH RADIAL DEFECTS. Identifiers: Orphanet 1225, MedGen C0265308, MONDO:0009039, OMIM 218600.

Submission:

Labcorp Genetics (formerly Invitae), Labcorp
Classification: Uncertain significance for Baller-Gerold syndrome. Last evaluated: 2023-12-11. Review status: criteria provided, single submitter. Criteria: Invitae Variant Classification Sherloc (09022015). Collection method: clinical testing. Allele origin: germline.
Comment: This sequence change replaces arginine with leucine at codon 826 of the RECQL4 protein (p.Arg826Leu). The arginine residue is weakly conserved and there is a moderate physicochemical difference between arginine and leucine. This variant is not present in population databases (gnomAD no frequency). This variant has not been reported in the literature in individuals affected with RECQL4-related conditions. ClinVar contains an entry for this variant (Variation ID: 1013879). Advanced modeling of protein sequence and biophysical properties (such as structural, functional, and spatial information, amino acid conservation, physicochemical variation, residue mobility, and thermodynamic stability) performed at Invitae indicates that this missense variant is not expected to disrupt RECQL4 protein function with a negative predictive value of 80%. In summary, the available evidence is currently insufficient to determine the role of this variant in disease. Therefore, it has been classified as a Variant of Uncertain Significance.

NM_004260.4(RECQL4):c.2477G>T (p.Arg826Leu)

Gene: RECQL4 (RecQ like helicase 4; minus strand). Cytogenetic location: 8q24.3.
Variant type: single nucleotide variant.
Coding change: c.2477G>T on transcript NM_004260.4 (MANE Select); coding-DNA position 2477, G replaced by T.
Protein change: p.Arg826Leu; replaces arginine 826 with leucine.
Molecular consequence: missense variant.
Genome position (GRCh38, 1-based): chr8:144,513,125, C>A on the plus strand (G>T on the coding strand, the complement: RECQL4 is on the minus strand). VCF-style: chr8-144513125-C-A. GRCh37 (hg19) VCF-style: chr8-145738508-C-A.
Other names: short protein forms R826L.
Identifiers: ClinVar variation 1013879 (VCV001013879.3), dbSNP rs770800467, ClinGen allele CA187681941.